The following is an entry in ClinVar:

NM_025074.7(FRAS1):c.1060A>G (p.Thr354Ala)

Gene: FRAS1 (Fraser extracellular matrix complex subunit 1; plus strand). Cytogenetic location: 4q21.21.
Variant type: single nucleotide variant.
Coding change: c.1060A>G on transcript NM_025074.7 (MANE Select); coding-DNA position 1060, A replaced by G.
Protein change: p.Thr354Ala; replaces threonine 354 with alanine.
Molecular consequence: missense variant.
Genome position (GRCh38, 1-based): chr4:78,278,733, A>G. VCF-style: chr4-78278733-A-G. GRCh37 (hg19) VCF-style: chr4-79199887-A-G.
Other names: c.1060A>G, p.Thr354Ala (NM_001166133.2); short protein forms T354A.
Identifiers: ClinVar variation 392877 (VCV000392877.2), dbSNP rs1057524674, ClinGen allele CA16604725.

ClinVar aggregate classification (germline): Uncertain significance (1 of 4 stars; one submission).

Submission:

GeneDx
Classification: Uncertain significance. Last evaluated: 2017-01-20. Review status: criteria provided, single submitter. Criteria: GeneDx Variant Classification (06012015). Collection method: clinical testing. Allele origin: germline. Affected: yes.
Comment: The T354A variant in the FRAS1 gene has not been reported previously as a pathogenic variant, nor as a benign variant, to our knowledge. The T354A variant was not observed in approximately 5900 individuals of European and African American ancestry in the NHLBI Exome Sequencing Project, indicating it is not a common benign variant in these populations. The T354A variant is a non-conservative amino acid substitution, which is likely to impact secondary protein structure as these residues differ in polarity, charge, size and/or other properties. However, this substitution occurs at a position that is not conserved, and in silico analysis predicts this variant likely does not alter the protein structure/function. Therefore, we interpret T354A as a variant of uncertain significance.